The following is an entry in ClinVar:

NM_002972.4(SBF1):c.4822C>T (p.Pro1608Ser)

Gene: SBF1 (SET binding factor 1; minus strand). Cytogenetic location: 22q13.33.
Variant type: single nucleotide variant.
Coding change: c.4822C>T on transcript NM_002972.4 (MANE Select); coding-DNA position 4822, C replaced by T.
Protein change: p.Pro1608Ser; replaces proline 1608 with serine.
Molecular consequence: missense variant.
Genome position (GRCh38, 1-based): chr22:50,454,733, G>A on the plus strand (C>T on the coding strand, the complement: SBF1 is on the minus strand). VCF-style: chr22-50454733-G-A. GRCh37 (hg19) VCF-style: chr22-50893162-G-A.
Other names: c.4747C>T, p.Pro1583Ser (NM_001365819.1); short protein forms P1583S, P1608S.
Identifiers: ClinVar variation 1310529 (VCV001310529.8), dbSNP rs764148193, ClinGen allele CA10316101.

ClinVar aggregate classification (germline): Uncertain significance. Review status: criteria provided, multiple submitters, no conflicts (2 of 4 stars). 3 submissions from 3 submitters: Uncertain significance (3). Last evaluated 2025-11-05.

Allele frequency attached by ClinVar (database versions not stated): gnomAD exomes 0.00002 and 0.00004; ExAC 0.00004; TOPMed 0.00002; gnomAD 0.00003.
gnomAD v4.1: 14 of 1,574,832 alleles (0.00089%); highest among the groups gnomAD compares: Admixed American, 0.025%; no homozygotes.

Submissions (3):

Ambry Genetics
Classification: Uncertain significance. Last evaluated: 2025-11-05. Review status: criteria provided, single submitter. Criteria: Ambry Variant Classification Scheme 2023. Collection method: clinical testing. Allele origin: germline.

Labcorp Genetics (formerly Invitae), Labcorp
Classification: Uncertain significance. Last evaluated: 2021-08-27. Review status: criteria provided, single submitter. Criteria: Invitae Variant Classification Sherloc (09022015). Collection method: clinical testing. Allele origin: germline.
Comment: This sequence change replaces proline with serine at codon 1608 of the SBF1 protein (p.Pro1608Ser). The proline residue is highly conserved and there is a moderate physicochemical difference between proline and serine. This variant is present in population databases (rs764148193, ExAC 0.03%). This variant has not been reported in the literature in individuals affected with SBF1-related conditions. Algorithms developed to predict the effect of missense changes on protein structure and function are either unavailable or do not agree on the potential impact of this missense change (SIFT: "Deleterious"; PolyPhen-2: "Probably Damaging"; Align-GVGD: "Class C0"). In summary, the available evidence is currently insufficient to determine the role of this variant in disease. Therefore, it has been classified as a Variant of Uncertain Significance.

GeneDx
Classification: Uncertain significance. Last evaluated: 2021-05-03. Review status: criteria provided, single submitter. Criteria: GeneDx Variant Classification Process June 2021. Collection method: clinical testing. Allele origin: germline. Affected: yes.
Comment: In silico analysis, which includes protein predictors and evolutionary conservation, supports a deleterious effect; Has not been previously published as pathogenic or benign to our knowledge